The following is an entry in ClinVar:

NM_020810.3(TRMT5):c.1412C>T (p.Ser471Phe)

Gene: TRMT5 (tRNA methyltransferase 5; minus strand). Cytogenetic location: 14q23.1.
Variant type: single nucleotide variant.
Coding change: c.1412C>T on transcript NM_020810.3 (MANE Select); coding-DNA position 1412, C replaced by T.
Protein change: p.Ser471Phe; replaces serine 471 with phenylalanine.
Molecular consequence: missense variant.
Genome position (GRCh38, 1-based): chr14:60,975,507, G>A on the plus strand (C>T on the coding strand, the complement: TRMT5 is on the minus strand). VCF-style: chr14-60975507-G-A. GRCh37 (hg19) VCF-style: chr14-61442225-G-A.
Other names: c.1496C>T, p.Ser499Phe (NM_001350253.1); c.1493C>T, p.Ser498Phe (NM_001350254.1); c.1412C>T (NM_020810.2); short protein forms S471F, S498F, S499F.
Identifiers: ClinVar variation 2414552 (VCV002414552.5), dbSNP rs376872422, ClinGen allele CA7213726.

ClinVar aggregate classification (germline): Uncertain significance. Review status: criteria provided, multiple submitters, no conflicts (2 of 4 stars). 2 submissions from 2 submitters: Uncertain significance (2). Last evaluated 2025-03-30.

Conditions:
Inborn genetic diseases. Identifiers: MedGen C0950123, MeSH D030342.

Allele frequency attached by ClinVar (database versions not stated): gnomAD exomes below 0.00001; ExAC 0.00001; gnomAD 0.00002; TOPMed 0.00002; ESP Exome Variant Server 0.00008.
gnomAD v4.1: 5 of 1,614,038 alleles (0.00031%); highest among the groups gnomAD compares: African/African-American, 0.0053%; no homozygotes.

Submissions (2):

Ambry Genetics
Classification: Uncertain significance for Inborn genetic diseases. Last evaluated: 2025-03-30. Review status: criteria provided, single submitter. Criteria: Ambry Variant Classification Scheme 2023. Collection method: clinical testing. Allele origin: germline.

Labcorp Genetics (formerly Invitae), Labcorp
Classification: Uncertain significance. Last evaluated: 2022-06-21. Review status: criteria provided, single submitter. Criteria: Invitae Variant Classification Sherloc (09022015). Collection method: clinical testing. Allele origin: germline.
Comment: In summary, the available evidence is currently insufficient to determine the role of this variant in disease. Therefore, it has been classified as a Variant of Uncertain Significance. Algorithms developed to predict the effect of missense changes on protein structure and function are either unavailable or do not agree on the potential impact of this missense change (SIFT: "Deleterious"; PolyPhen-2: "Benign"; Align-GVGD: "Class C0"). This variant has not been reported in the literature in individuals affected with TRMT5-related conditions. This variant is present in population databases (rs376872422, gnomAD 0.01%). This sequence change replaces serine, which is neutral and polar, with phenylalanine, which is neutral and non-polar, at codon 471 of the TRMT5 protein (p.Ser471Phe).